The following is an entry in ClinVar:

ClinVar aggregate classification (germline): Uncertain significance (1 of 4 stars; one submission).

Allele frequency attached by ClinVar (database versions not stated): gnomAD 0.00001.

Submission:

Labcorp Genetics (formerly Invitae), Labcorp
Classification: Uncertain significance. Last evaluated: 2023-11-27. Review status: criteria provided, single submitter. Criteria: Invitae Variant Classification Sherloc (09022015). Collection method: clinical testing. Allele origin: germline.
Comment: This sequence change replaces threonine, which is neutral and polar, with alanine, which is neutral and non-polar, at codon 214 of the RNASET2 protein (p.Thr214Ala). This variant is present in population databases (no rsID available, gnomAD 0.003%). This variant has not been reported in the literature in individuals affected with RNASET2-related conditions. ClinVar contains an entry for this variant (Variation ID: 1913542). Advanced modeling of protein sequence and biophysical properties (such as structural, functional, and spatial information, amino acid conservation, physicochemical variation, residue mobility, and thermodynamic stability) performed at Invitae indicates that this missense variant is not expected to disrupt RNASET2 protein function with a negative predictive value of 80%. In summary, the available evidence is currently insufficient to determine the role of this variant in disease. Therefore, it has been classified as a Variant of Uncertain Significance.

NM_003730.6(RNASET2):c.640A>G (p.Thr214Ala)

Gene: RNASET2 (ribonuclease T2; minus strand). Cytogenetic location: 6q27.
Variant type: single nucleotide variant.
Coding change: c.640A>G on transcript NM_003730.6 (MANE Select); coding-DNA position 640, A replaced by G.
Protein change: p.Thr214Ala; replaces threonine 214 with alanine.
Molecular consequence: missense variant.
Genome position (GRCh38, 1-based): chr6:166,929,719, T>C on the plus strand (A>G on the coding strand, the complement: RNASET2 is on the minus strand). VCF-style: chr6-166929719-T-C. GRCh37 (hg19) VCF-style: chr6-167343207-T-C.
Other names: short protein forms T214A.
Identifiers: ClinVar variation 1913542 (VCV001913542.5), dbSNP rs777199814, ClinGen allele CA366408821.